The following is an entry in ClinVar:

NM_018136.5(ASPM):c.6727G>T (p.Val2243Leu)

Gene: ASPM (assembly factor for spindle microtubules; minus strand). Cytogenetic location: 1q31.3.
Variant type: single nucleotide variant.
Coding change: c.6727G>T on transcript NM_018136.5 (MANE Select); coding-DNA position 6727, G replaced by T.
Protein change: p.Val2243Leu; replaces valine 2243 with leucine.
Molecular consequence: missense variant. On other transcripts: intron variant (1).
Genome position (GRCh38, 1-based): chr1:197,102,524, C>A on the plus strand (G>T on the coding strand, the complement: ASPM is on the minus strand). VCF-style: chr1-197102524-C-A. GRCh37 (hg19) VCF-style: chr1-197071654-C-A.
Other names: c.4066-6360G>T (NM_001206846.2); short protein forms V2243L.
Identifiers: ClinVar variation 157857 (VCV000157857.24), dbSNP rs148425392, ClinGen allele CA171234.
Genomic context (GRCh38, chr1:197,102,524, plus strand): 5'-GCATCATTTTTAAATGTCTTCTAGCTTTCTTTCCCCTAAAAATAGCCTGAATGTATATTA[C>A]AGAATGCCTCAGTTTGTTATACCTTTGAAATTGTATGTTTCTTTCTTTCATTGCCCAGTA-3'
Protein context (NP_060606.3, residues 2233-2253): FQRYNKLRHS[Val2243Leu]IYIQAIFRGK

ClinVar aggregate classification (germline): Benign/Likely benign. Review status: criteria provided, multiple submitters, no conflicts (2 of 4 stars). 9 submissions from 9 submitters: Benign (4); Likely benign (5). Last evaluated 2026-01-15.

Conditions:
Microcephaly 5, primary, autosomal recessive (MCPH5). Also called: ASPM Primary Microcephaly. Identifiers: Orphanet 2512, MedGen C1837501, MONDO:0012106, OMIM 608716.

Allele frequency attached by ClinVar (database versions not stated): ExAC 0.00140; 1000 Genomes Project 0.00419; 1000 Genomes Project 30x 0.00453; gnomAD 0.00456 and 0.00493; TOPMed 0.00540; ESP Exome Variant Server 0.00562.
gnomAD v4.1: 1,378 of 1,612,556 alleles (0.085%); highest among the groups gnomAD compares: African/African-American, 1.6%; 7 homozygotes.

Submissions (9):

Labcorp Genetics (formerly Invitae), Labcorp
Classification: Benign. Last evaluated: 2026-01-15. Review status: criteria provided, single submitter. Criteria: Invitae Variant Classification Sherloc (09022015). Collection method: clinical testing. Allele origin: germline.

Genome-Nilou Lab
Classification: Likely benign for Microcephaly 5, primary, autosomal recessive. Last evaluated: 2023-04-11. Review status: criteria provided, single submitter. Criteria: ACMG Guidelines, 2015. Collection method: clinical testing. Allele origin: germline. Affected: no.

Fulgent Genetics
Classification: Likely benign for Microcephaly 5, primary, autosomal recessive. Last evaluated: 2021-10-05. Review status: criteria provided, single submitter. Criteria: ACMG Guidelines, 2015. Collection method: clinical testing. Allele origin: unknown.

Genetic Services Laboratory, University of Chicago
Classification: Benign. Last evaluated: 2018-07-16. Review status: criteria provided, single submitter. Criteria: ACMG Guidelines, 2015. Collection method: clinical testing. Allele origin: germline. Affected: no.

Illumina Laboratory Services, Illumina
Classification: Likely benign for Microcephaly 5, primary, autosomal recessive. Last evaluated: 2018-01-13. Review status: criteria provided, single submitter. Criteria: ICSL Variant Classification Criteria 13 December 2019. Collection method: clinical testing. Allele origin: germline.
Comment: This variant was observed in the ICSL laboratory as part of a predisposition screen in an ostensibly healthy population. It had not been previously curated by ICSL or reported in the Human Gene Mutation Database (HGMD: prior to June 1st, 2018), and was therefore a candidate for classification through an automated scoring system. Utilizing variant allele frequency, disease prevalence and penetrance estimates, and inheritance mode, an automated score was calculated to assess if this variant is too frequent to cause the disease. Based on the score and internal cut-off values, a variant classified as likely benign is not then subjected to further curation. The score for this variant resulted in a classification of likely benign for this disease.

Athena Diagnostics
Classification: Benign. Last evaluated: 2017-10-25. Review status: criteria provided, single submitter. Criteria: Athena Diagnostics Criteria. Collection method: clinical testing. Allele origin: germline.

GeneDx
Classification: Benign. Last evaluated: 2016-09-12. Review status: criteria provided, single submitter. Criteria: GeneDx Variant Classification (06012015). Collection method: clinical testing. Allele origin: germline. Affected: yes.
Comment: This variant is considered likely benign or benign based on one or more of the following criteria: it is a conservative change, it occurs at a poorly conserved position in the protein, it is predicted to be benign by multiple in silico algorithms, and/or has population frequency not consistent with disease.

Center for Pediatric Genomic Medicine, Children's Mercy Hospital and Clinics
Classification: Likely benign. Last evaluated: 2016-02-11. Review status: criteria provided, single submitter. Criteria: ACMG Guidelines, 2015. Collection method: clinical testing. Allele origin: germline.
ClinVar note: Converted during submission from Likely Benign to Likely benign.

Breakthrough Genomics
Classification: Likely benign. Review status: criteria provided, single submitter. Criteria: ACMG Guidelines, 2015. Collection method: not provided. Allele origin: germline. Inheritance: Autosomal recessive inheritance. Affected: yes.